The following is an entry in ClinVar:

NM_001572.5(IRF7):c.584A>T (p.His195Leu)

Gene: IRF7 (interferon regulatory factor 7; minus strand). Cytogenetic location: 11p15.5.
Variant type: single nucleotide variant.
Coding change: c.584A>T on transcript NM_001572.5 (MANE Select); coding-DNA position 584, A replaced by T.
Protein change: p.His195Leu; replaces histidine 195 with leucine.
Molecular consequence: missense variant.
Genome position (GRCh38, 1-based): chr11:614,269, T>A on the plus strand (A>T on the coding strand, the complement: IRF7 is on the minus strand). VCF-style: chr11-614269-T-A. GRCh37 (hg19) VCF-style: chr11-614269-T-A.
Other names: c.584A>T, p.His195Leu (LRG_1313t1, NM_004029.4); c.623A>T, p.His208Leu (NM_004031.4); short protein forms H208L, H195L.
Identifiers: ClinVar variation 657437 (VCV000657437.7), dbSNP rs139709725, ClinGen allele CA5783903.

ClinVar aggregate classification (germline): Uncertain significance (1 of 4 stars; one submission).

Conditions:
Immunodeficiency 39 (IMD39). Identifiers: Orphanet 574918, MedGen C4225358, MONDO:0014597, OMIM 616345.

Allele frequency attached by ClinVar (database versions not stated): gnomAD 0.00012; gnomAD exomes 0.00015 and 0.00017; TOPMed 0.00016; ExAC 0.00020; ESP Exome Variant Server 0.00031.
gnomAD v4.1: 238 of 1,612,358 alleles (0.015%); highest among the groups gnomAD compares: Middle Eastern, 0.082%; no homozygotes.

Submission:

Labcorp Genetics (formerly Invitae), Labcorp
Classification: Uncertain significance for Immunodeficiency 39. Last evaluated: 2026-01-27. Review status: criteria provided, single submitter. Criteria: Invitae Variant Classification Sherloc (09022015). Collection method: clinical testing. Allele origin: germline.
Comment: This sequence change replaces histidine, which is basic and polar, with leucine, which is neutral and non-polar, at codon 208 of the IRF7 protein (p.His208Leu). This variant is present in population databases (rs139709725, gnomAD 0.1%), and has an allele count higher than expected for a pathogenic variant. This variant has not been reported in the literature in individuals affected with IRF7-related conditions. ClinVar contains an entry for this variant (Variation ID: 657437). Invitae Evidence Modeling of protein sequence and biophysical properties (such as structural, functional, and spatial information, amino acid conservation, physicochemical variation, residue mobility, and thermodynamic stability) indicates that this missense variant is not expected to disrupt IRF7 protein function with a negative predictive value of 80%. In summary, the available evidence is currently insufficient to determine the role of this variant in disease. Therefore, it has been classified as a Variant of Uncertain Significance.